The following is an entry in ClinVar:

ClinVar aggregate classification (germline): Uncertain significance (1 of 4 stars; one submission).

Conditions:
Hajdu-Cheney syndrome (HJCYS). Also called: ACROOSTEOLYSIS WITH OSTEOPOROSIS AND CHANGES IN SKULL AND MANDIBLE; SERPENTINE FIBULA-POLYCYSTIC KIDNEY SYNDROME; Acroosteolysis dominant type. Identifiers: Orphanet 955, MedGen C0917715, MONDO:0007057, OMIM 102500.

Submission:

Labcorp Genetics (formerly Invitae), Labcorp
Classification: Uncertain significance for Hajdu-Cheney syndrome. Last evaluated: 2025-06-17. Review status: criteria provided, single submitter. Criteria: Invitae Variant Classification Sherloc (09022015). Collection method: clinical testing. Allele origin: germline.
Comment: This sequence change replaces proline, which is neutral and non-polar, with serine, which is neutral and polar, at codon 1254 of the NOTCH2 protein (p.Pro1254Ser). This variant is not present in population databases (gnomAD no frequency). This variant has not been reported in the literature in individuals affected with NOTCH2-related conditions. Invitae Evidence Modeling of protein sequence and biophysical properties (such as structural, functional, and spatial information, amino acid conservation, physicochemical variation, residue mobility, and thermodynamic stability) has been performed for this missense variant. However, the output from this modeling did not meet the statistical confidence thresholds required to predict the impact of this variant on NOTCH2 protein function. In summary, the available evidence is currently insufficient to determine the role of this variant in disease. Therefore, it has been classified as a Variant of Uncertain Significance.

NM_024408.4(NOTCH2):c.3760C>T (p.Pro1254Ser)

Gene: NOTCH2 (notch receptor 2; minus strand). Cytogenetic location: 1p12.
Variant type: single nucleotide variant.
Coding change: c.3760C>T on transcript NM_024408.4 (MANE Select); coding-DNA position 3760, C replaced by T.
Protein change: p.Pro1254Ser; replaces proline 1254 with serine.
Molecular consequence: missense variant.
Genome position (GRCh38, 1-based): chr1:119,929,108, G>A on the plus strand (C>T on the coding strand, the complement: NOTCH2 is on the minus strand). VCF-style: chr1-119929108-G-A. GRCh37 (hg19) VCF-style: chr1-120471731-G-A.
Other names: short protein forms P1254S.
Identifiers: ClinVar variation 4805289 (VCV004805289.1).